The following is an entry in ClinVar:

NM_025074.7(FRAS1):c.111T>A (p.Asp37Glu)

Gene: FRAS1 (Fraser extracellular matrix complex subunit 1; plus strand). Cytogenetic location: 4q21.21.
Variant type: single nucleotide variant.
Coding change: c.111T>A on transcript NM_025074.7 (MANE Select); coding-DNA position 111, T replaced by A.
Protein change: p.Asp37Glu; replaces aspartic acid 37 with glutamic acid.
Molecular consequence: missense variant.
Genome position (GRCh38, 1-based): chr4:78,237,512, T>A. VCF-style: chr4-78237512-T-A. GRCh37 (hg19) VCF-style: chr4-79158666-T-A.
Other names: c.111T>A, p.Asp37Glu (NM_001166133.2); short protein forms D37E.
Identifiers: ClinVar variation 2000660 (VCV002000660.4), dbSNP rs2476486714, ClinGen allele CA357351425.

ClinVar aggregate classification (germline): Uncertain significance (1 of 4 stars; one submission).

Allele frequency attached by ClinVar (database versions not stated): gnomAD exomes below 0.00001.
gnomAD v4.1: 1 of 1,612,262 alleles (0.000062%); highest among the groups gnomAD compares: Admixed American, 0.0017%; no homozygotes.

Submission:

Labcorp Genetics (formerly Invitae), Labcorp
Classification: Uncertain significance. Last evaluated: 2022-05-29. Review status: criteria provided, single submitter. Criteria: Invitae Variant Classification Sherloc (09022015). Collection method: clinical testing. Allele origin: germline.
Comment: This variant is not present in population databases (gnomAD no frequency). This variant has not been reported in the literature in individuals affected with FRAS1-related conditions. Algorithms developed to predict the effect of missense changes on protein structure and function are either unavailable or do not agree on the potential impact of this missense change (SIFT: "Deleterious"; PolyPhen-2: "Benign"; Align-GVGD: "Class C0"). In summary, the available evidence is currently insufficient to determine the role of this variant in disease. Therefore, it has been classified as a Variant of Uncertain Significance. This sequence change replaces aspartic acid, which is acidic and polar, with glutamic acid, which is acidic and polar, at codon 37 of the FRAS1 protein (p.Asp37Glu).